The following is an entry in ClinVar:

ClinVar aggregate classification (germline): Uncertain significance. Review status: criteria provided, multiple submitters, no conflicts (2 of 4 stars). 3 submissions from 3 submitters: Uncertain significance (3). Last evaluated 2025-05-26.

Conditions:
Inborn genetic diseases. Identifiers: MedGen C0950123, MeSH D030342.

Allele frequency attached by ClinVar (database versions not stated): ExAC 0.00002; gnomAD exomes 0.00002; TOPMed 0.00005; gnomAD 0.00006; ESP Exome Variant Server 0.00008; 1000 Genomes Project 30x 0.00016; 1000 Genomes Project 0.00020.

Submissions (3):

Ambry Genetics
Classification: Uncertain significance for Inborn genetic diseases. Last evaluated: 2025-05-26. Review status: criteria provided, single submitter. Criteria: Ambry Variant Classification Scheme 2023. Collection method: clinical testing. Allele origin: germline.

Blueprint Genetics
Classification: Uncertain significance. Last evaluated: 2024-11-04. Review status: criteria provided, single submitter. Criteria: ACMG Guidelines, 2015. Collection method: clinical testing. Allele origin: germline.

Labcorp Genetics (formerly Invitae), Labcorp
Classification: Uncertain significance. Last evaluated: 2022-09-19. Review status: criteria provided, single submitter. Criteria: Invitae Variant Classification Sherloc (09022015). Collection method: clinical testing. Allele origin: germline.
Comment: This sequence change replaces arginine, which is basic and polar, with glutamine, which is neutral and polar, at codon 638 of the AGBL5 protein (p.Arg638Gln). This variant is present in population databases (rs375384357, gnomAD 0.009%). This variant has not been reported in the literature in individuals affected with AGBL5-related conditions. ClinVar contains an entry for this variant (Variation ID: 1023427). Algorithms developed to predict the effect of missense changes on protein structure and function are either unavailable or do not agree on the potential impact of this missense change (SIFT: "Tolerated"; PolyPhen-2: "Possibly Damaging"; Align-GVGD: "Class C0"). In summary, the available evidence is currently insufficient to determine the role of this variant in disease. Therefore, it has been classified as a Variant of Uncertain Significance.

NM_021831.6(AGBL5):c.1913G>A (p.Arg638Gln)

Gene: AGBL5 (AGBL carboxypeptidase 5; plus strand). Cytogenetic location: 2p23.3.
Variant type: single nucleotide variant.
Coding change: c.1913G>A on transcript NM_021831.6 (MANE Select); coding-DNA position 1913, G replaced by A.
Protein change: p.Arg638Gln; replaces arginine 638 with glutamine.
Molecular consequence: missense variant. On other transcripts: non-coding transcript variant (2).
Genome position (GRCh38, 1-based): chr2:27,059,228, G>A. VCF-style: chr2-27059228-G-A. GRCh37 (hg19) VCF-style: chr2-27282096-G-A.
Other names: c.1913G>A, p.Arg638Gln (NM_001035507.3); c.1913G>A (NM_021831.5); short protein forms R638Q.
Identifiers: ClinVar variation 1023427 (VCV001023427.9), dbSNP rs375384357, ClinGen allele CA1568010.
Genomic context (GRCh38, chr2:27,059,228, plus strand): 5'-ACTGGCATCTGCTTCTTTGCAGTGGGTTGCCTGTCTCCTGCTCCGAAAACACCTTGAGTC[G>A]GGCACGAAGTTTTAGCACCGGCACAAGTGCCGGTGGTAGCAGCAGCAGCCAACAAAATTC-3'
Protein context (NP_068603.4, residues 628-648): PVSCSENTLS[Arg638Gln]ARSFSTGTSA